The following is an entry in ClinVar:

NM_003072.5(SMARCA4):c.-31-8T>G

Gene: SMARCA4 (SWI/SNF related, matrix associated, actin dependent regulator of chromatin, subfamily a, member 4; plus strand). Cytogenetic location: 19p13.2.
Variant type: single nucleotide variant.
Coding change: c.-31-8T>G on transcript NM_003072.5 (MANE Select); 8 bases into the intron before 31 bases upstream of the start codon, T replaced by G.
Molecular consequence: intron variant.
Genome position (GRCh38, 1-based): chr19:10,984,113, T>G. VCF-style: chr19-10984113-T-G. GRCh37 (hg19) VCF-style: chr19-11094789-T-G.
Other names: c.-31-8T>G (NM_001128844.3, NM_001128849.3, NM_001128847.4); c.-28-11T>G (NM_001387283.1, NM_001374457.1).
Identifiers: ClinVar variation 1315479 (VCV001315479.2), dbSNP rs775223696, ClinGen allele CA2573054696.

ClinVar aggregate classification (germline): Uncertain significance (1 of 4 stars; one submission).

Submission:

GeneDx
Classification: Uncertain significance. Last evaluated: 2020-02-12. Review status: criteria provided, single submitter. Criteria: GeneDx Variant Classification Process June 2021. Collection method: clinical testing. Allele origin: germline. Affected: yes.
Comment: Not observed in large population cohorts (Lek et al., 2016); Has not been previously published as pathogenic or benign to our knowledge; In-silico analysis, which includes splice predictors and evolutionary conservation, is inconclusive as to whether the variant alters gene splicing. In the absence of RNA/functional studies, the actual effect of this sequence change is unknown.